The following is an entry in ClinVar:

NM_000079.4(CHRNA1):c.249C>A (p.Tyr83Ter)

Gene: CHRNA1 (cholinergic receptor nicotinic alpha 1 subunit; minus strand). Cytogenetic location: 2q31.1.
Variant type: single nucleotide variant.
Coding change: c.249C>A on transcript NM_000079.4 (MANE Select); coding-DNA position 249, C replaced by A.
Protein change: p.Tyr83Ter; replaces tyrosine 83 with a stop codon.
Molecular consequence: nonsense.
Genome position (GRCh38, 1-based): chr2:174,757,661, G>T on the plus strand (C>A on the coding strand, the complement: CHRNA1 is on the minus strand). VCF-style: chr2-174757661-G-T. GRCh37 (hg19) VCF-style: chr2-175622389-G-T.
Other names: c.324C>A, p.Tyr108Ter (NM_001039523.3); short protein forms Y83*, Y108*.
Identifiers: ClinVar variation 1438291 (VCV001438291.4), dbSNP rs1684009556, ClinGen allele CA349343863.

ClinVar aggregate classification (germline): Pathogenic (1 of 4 stars; one submission).

Conditions:
Lethal multiple pterygium syndrome (LMPS). Identifiers: Orphanet 33108, MedGen C1854678, MONDO:0009668, OMIM 253290.

Allele frequency attached by ClinVar (database versions not stated): TOPMed below 0.00001.

Submission:

Labcorp Genetics (formerly Invitae), Labcorp
Classification: Pathogenic for Lethal multiple pterygium syndrome. Last evaluated: 2025-03-04. Review status: criteria provided, single submitter. Criteria: Invitae Variant Classification Sherloc (09022015). Collection method: clinical testing. Allele origin: germline.
Comment: This sequence change creates a premature translational stop signal (p.Tyr83*) in the CHRNA1 gene. It is expected to result in an absent or disrupted protein product. Loss-of-function variants in CHRNA1 are known to be pathogenic (PMID: 14719537, 15907919, 18252226). This variant is not present in population databases (gnomAD no frequency). This variant has not been reported in the literature in individuals affected with CHRNA1-related conditions. ClinVar contains an entry for this variant (Variation ID: 1438291). For these reasons, this variant has been classified as Pathogenic.

Literature cited by the submitters: PubMed 14719537; PubMed 15907919; PubMed 18252226.